The following is an entry in ClinVar:

ClinVar aggregate classification (germline): Pathogenic (1 of 4 stars; one submission).

Conditions:
Tumor predisposition syndrome 3 (TPDS3). Also called: Melanoma, cutaneous malignant, susceptibility to, 10; Glioma susceptibility 9; LONG TELOMERE SYNDROME, POT1-RELATED; POT1 Tumor Predisposition. Identifiers: Orphanet 618, MedGen C4014476, MONDO:0014368, OMIM 615848.

Submission:

Labcorp Genetics (formerly Invitae), Labcorp
Classification: Pathogenic for Tumor predisposition syndrome 3. Last evaluated: 2021-08-28. Review status: criteria provided, single submitter. Criteria: Invitae Variant Classification Sherloc (09022015). Collection method: clinical testing. Allele origin: germline.
Comment: For these reasons, this variant has been classified as Pathogenic. This variant has not been reported in the literature in individuals affected with POT1-related conditions. This variant is not present in population databases (ExAC no frequency). This sequence change creates a premature translational stop signal (p.Asp291Glufs*3) in the POT1 gene. It is expected to result in an absent or disrupted protein product. Loss-of-function variants in POT1 are known to be pathogenic (PMID: 32155570).

Literature cited by the submitters: PubMed 32155570.

NM_015450.3(POT1):c.873_885del (p.Asp291fs)

Gene: POT1 (protection of telomeres 1; minus strand). Cytogenetic location: 7q31.33.
Variant type: Deletion.
Coding change: c.873_885del on transcript NM_015450.3 (MANE Select); coding-DNA positions 873 to 885, 13 bases deleted (TTTAGAATCTGCA).
Protein change: p.Asp291fs; shifts the reading frame from aspartic acid 291.
Molecular consequence: frameshift variant. On other transcripts: non-coding transcript variant (3).
Genome position (GRCh38, 1-based): chr7:124,851,936-124,851,948, TGCAGATTCTAAA deleted on the plus strand (TTTAGAATCTGCA on the coding strand, the reverse complement: POT1 is on the minus strand); deleting any 13 consecutive bases within chr7:124,851,936-124,851,949 gives the same sequence; the c. name uses the placement nearest the transcript's 3' end. VCF-style (leftmost placement, unchanged base first): chr7-124851935-TTGCAGATTCTAAA-T. GRCh37 (hg19) VCF-style: chr7-124491989-TTGCAGATTCTAAA-T.
Other names: c.480_492del, p.Asp160fs (NM_001042594.2); short protein forms D160fs, D291fs.
Identifiers: ClinVar variation 1063217 (VCV001063217.7), dbSNP rs2116501128, ClinGen allele CA2499218709.